The following is an entry in ClinVar:

ClinVar aggregate classification (germline): Conflicting classifications of pathogenicity. Review status: criteria provided, conflicting classifications (1 of 4 stars). 2 submissions from 2 submitters: Uncertain significance (1); Likely benign (1). Last evaluated 2026-03-19.

Conditions:
Hereditary cancer-predisposing syndrome. Also called: Hereditary neoplastic syndrome; Neoplastic Syndromes, Hereditary; Tumor predisposition; Hereditary Cancer Syndrome. Identifiers: Orphanet 140162, MedGen C0027672, MeSH D009386, MONDO:0015356.
Chuvash polycythemia. Also called: POLYCYTHEMIA, VHL-DEPENDENT. Identifiers: Orphanet 238557, MedGen C1837915, MONDO:0009892, OMIM 263400.
Von Hippel-Lindau syndrome (VHLS). Also called: von Hippel–Lindau syndrome; VHL syndrome; Von Hippel-Lindau. Identifiers: Orphanet 892, MedGen C0019562, MONDO:0008667, OMIM 193300. Disease mechanism: loss of function.

Submissions (2):

Ambry Genetics
Classification: Likely benign for Hereditary cancer-predisposing syndrome. Last evaluated: 2026-03-19. Review status: criteria provided, single submitter. Criteria: Ambry Variant Classification Scheme 2023. Collection method: clinical testing. Allele origin: germline.

Labcorp Genetics (formerly Invitae), Labcorp
Classification: Uncertain significance for Von Hippel-Lindau syndrome; Chuvash polycythemia. Last evaluated: 2023-11-02. Review status: criteria provided, single submitter. Criteria: Invitae Variant Classification Sherloc (09022015). Collection method: clinical testing. Allele origin: germline.
Comment: This sequence change replaces leucine, which is neutral and non-polar, with valine, which is neutral and non-polar, at codon 169 of the VHL protein (p.Leu169Val). This variant is not present in population databases (gnomAD no frequency). This variant has not been reported in the literature in individuals affected with VHL-related conditions. Advanced modeling of protein sequence and biophysical properties (such as structural, functional, and spatial information, amino acid conservation, physicochemical variation, residue mobility, and thermodynamic stability) performed at Invitae indicates that this missense variant is expected to disrupt VHL protein function with a positive predictive value of 95%. In summary, the available evidence is currently insufficient to determine the role of this variant in disease. Therefore, it has been classified as a Variant of Uncertain Significance.

Literature cited by the submitters: PubMed 38969834 (cited by Ambry Genetics).

NM_000551.4(VHL):c.505C>G (p.Leu169Val)

Genes: VHL (von Hippel-Lindau tumor suppressor; plus strand), LOC107303340 (3p25 von Hippel-Lindau tumor suppressor, E3 ubiquitin protein ligase Alu-mediated recombination region; plus strand). Cytogenetic location: 3p25.3.
Variant type: single nucleotide variant.
Coding change: c.505C>G on transcript NM_000551.4 (MANE Select); coding-DNA position 505, C replaced by G.
Protein change: p.Leu169Val; replaces leucine 169 with valine.
Molecular consequence: missense variant. On other transcripts: 3 prime UTR variant (1), non-coding transcript variant (1).
Genome position (GRCh38, 1-based): chr3:10,149,828, C>G. VCF-style: chr3-10149828-C-G. GRCh37 (hg19) VCF-style: chr3-10191512-C-G.
Other names: c.*59C>G (NM_001354723.2); c.382C>G, p.Leu128Val (NM_198156.3); short protein forms L128V, L169V.
Identifiers: ClinVar variation 2953483 (VCV002953483.5), dbSNP rs1696357663, ClinGen allele CA351756188.